The following is an entry in ClinVar:

ClinVar aggregate classification (germline): Benign. Review status: criteria provided, multiple submitters, no conflicts (2 of 4 stars). 7 submissions from 7 submitters: Benign (7). Last evaluated 2026-02-03.

Conditions:
Inborn genetic diseases. Identifiers: MedGen C0950123, MeSH D030342.
Progressive myoclonic epilepsy. Also called: Familial progressive myoclonic epilepsy; Myoclonic Epilepsies, Progressive; Myoclonus epilepsy; Progressive myoclonus epilepsy. Identifiers: Orphanet 308, Orphanet 98261, MedGen C0751778, MONDO:0020074.

Allele frequency attached by ClinVar (database versions not stated): ExAC 0.01663; gnomAD 0.04562 and 0.04875; TOPMed 0.05214; ESP Exome Variant Server 0.05255; 1000 Genomes Project 0.05671; 1000 Genomes Project 30x 0.05887.
gnomAD v4.1: 13,436 of 1,611,326 alleles (0.83%); highest among the groups gnomAD compares: African/African-American, 16%; 951 homozygotes.

Submissions (7):

Labcorp Genetics (formerly Invitae), Labcorp
Classification: Benign for Progressive myoclonic epilepsy. Last evaluated: 2026-02-03. Review status: criteria provided, single submitter. Criteria: Invitae Variant Classification Sherloc (09022015). Collection method: clinical testing. Allele origin: germline.

Blueprint Genetics
Classification: Benign. Last evaluated: 2024-11-13. Review status: criteria provided, single submitter. Criteria: ACMG Guidelines, 2015. Collection method: clinical testing. Allele origin: germline.

Mayo Clinic Laboratories, Mayo Clinic
Classification: Benign. Last evaluated: 2023-03-26. Review status: criteria provided, single submitter. Criteria: ACMG Guidelines, 2015. Collection method: clinical testing. Allele origin: germline. Observed: 40 variant alleles.

Ambry Genetics
Classification: Benign for Inborn genetic diseases. Last evaluated: 2016-01-08. Review status: criteria provided, single submitter. Criteria: Ambry Variant Classification Scheme 2023. Collection method: clinical testing. Allele origin: germline.

GeneDx
Classification: Benign. Last evaluated: 2013-11-27. Review status: criteria provided, single submitter. Criteria: GeneDx Variant Classification (06012015). Collection method: clinical testing. Allele origin: germline. Affected: yes.
Comment: This variant is considered likely benign or benign based on one or more of the following criteria: it is a conservative change, it occurs at a poorly conserved position in the protein, it is predicted to be benign by multiple in silico algorithms, and/or has population frequency not consistent with disease.

Breakthrough Genomics
Classification: Benign. Review status: criteria provided, single submitter. Criteria: ACMG Guidelines, 2015. Collection method: not provided. Allele origin: germline. Inheritance: Autosomal recessive inheritance. Affected: yes.

PreventionGenetics, part of Exact Sciences
Classification: Benign. Review status: criteria provided, single submitter. Criteria: ACMG Guidelines, 2015. Collection method: clinical testing. Allele origin: germline.

NM_005506.4(SCARB2):c.48G>C (p.Leu16=)

Gene: SCARB2 (scavenger receptor class B member 2; minus strand). Cytogenetic location: 4q21.1.
Variant type: single nucleotide variant.
Coding change: c.48G>C on transcript NM_005506.4 (MANE Select); coding-DNA position 48, G replaced by C.
Protein change: p.Leu16=; no amino-acid change (leucine 16 retained).
Molecular consequence: synonymous variant.
Genome position (GRCh38, 1-based): chr4:76,213,496, C>G on the plus strand (G>C on the coding strand, the complement: SCARB2 is on the minus strand). VCF-style: chr4-76213496-C-G. GRCh37 (hg19) VCF-style: chr4-77134649-C-G.
Other names: p.L16L:CTG>CTC; p.Leu16=; c.48G>C, p.Leu16= (NM_001204255.2).
Identifiers: ClinVar variation 138970 (VCV000138970.19), dbSNP rs72857097, ClinGen allele CA293155.